The following is an entry in ClinVar:

ClinVar aggregate classification (germline): Uncertain significance (1 of 4 stars; one submission).

Conditions:
Autosomal dominant limb-girdle muscular dystrophy type 1F (LGMDD2). Also called: Limb-girdle muscular dystrophy, type 1F; MUSCULAR DYSTROPHY, LIMB-GIRDLE, AUTOSOMAL DOMINANT 2. Identifiers: Orphanet 55595, MedGen C1842062, MONDO:0012034, OMIM 608423.

Submission:

Labcorp Genetics (formerly Invitae), Labcorp
Classification: Uncertain significance for Autosomal dominant limb-girdle muscular dystrophy type 1F. Last evaluated: 2023-06-25. Review status: criteria provided, single submitter. Criteria: Invitae Variant Classification Sherloc (09022015). Collection method: clinical testing. Allele origin: germline.
Comment: In summary, the available evidence is currently insufficient to determine the role of this variant in disease. Therefore, it has been classified as a Variant of Uncertain Significance. Advanced modeling of protein sequence and biophysical properties (such as structural, functional, and spatial information, amino acid conservation, physicochemical variation, residue mobility, and thermodynamic stability) performed at Invitae indicates that this missense variant is not expected to disrupt TNPO3 protein function. This variant has not been reported in the literature in individuals affected with TNPO3-related conditions. This variant is not present in population databases (gnomAD no frequency). This sequence change replaces arginine, which is basic and polar, with lysine, which is basic and polar, at codon 371 of the TNPO3 protein (p.Arg371Lys).

NM_012470.4(TNPO3):c.1112G>A (p.Arg371Lys)

Gene: TNPO3 (transportin 3; minus strand). Cytogenetic location: 7q32.1.
Variant type: single nucleotide variant.
Coding change: c.1112G>A on transcript NM_012470.4 (MANE Select); coding-DNA position 1112, G replaced by A.
Protein change: p.Arg371Lys; replaces arginine 371 with lysine.
Molecular consequence: missense variant. On other transcripts: non-coding transcript variant (17), intron variant (1).
Genome position (GRCh38, 1-based): chr7:128,997,435, C>T on the plus strand (G>A on the coding strand, the complement: TNPO3 is on the minus strand). VCF-style: chr7-128997435-C-T. GRCh37 (hg19) VCF-style: chr7-128637489-C-T.
Other names: c.1112G>A, p.Arg371Lys (NM_001191028.3, NM_001382216.1, NM_001382218.1 and 3 more transcripts); c.1193G>A, p.Arg398Lys (NM_001382217.1); c.1011+2994G>A (NM_001382222.1); c.968G>A, p.Arg323Lys (NM_001382221.1); short protein forms R371K, R398K, R323K.
Identifiers: ClinVar variation 2729035 (VCV002729035.3), dbSNP rs2536210098, ClinGen allele CA369234832.
Genomic context (GRCh38, chr7:128,997,435, plus strand): 5'-AGAAGGGAACTTACATGGTCTGGTTCCAGCTGGCAGTGTCGAGCCAAGGCGTGAAGCAGC[C>T]TCTGAATGTAAGCTTTGAAGATGCCATGAATAACTTCATCGTTAGTTTTGTACAAATGTT-3'
Protein context (NP_036602.1, residues 361-381): IHGIFKAYIQ[Arg371Lys]LLHALARHCQ